The following is an entry in ClinVar:

ClinVar aggregate classification (germline): Likely benign (1 of 4 stars; one submission).

gnomAD v4.1: 4 of 1,614,240 alleles (0.00025%); highest among the groups gnomAD compares: South Asian, 0.0033%; no homozygotes.

Submission:

CeGaT Center for Human Genetics Tuebingen
Classification: Likely benign. Last evaluated: 2024-10-01. Review status: criteria provided, single submitter. Criteria: CeGaT Center For Human Genetics Tuebingen Variant Classification Criteria Version 2. Collection method: clinical testing. Allele origin: germline. Affected: yes. Observed: 1 variant allele.
Comment: BNC1: BP4

NM_001717.4(BNC1):c.1669A>G (p.Lys557Glu)

Gene: BNC1 (basonuclin zinc finger protein 1; minus strand). Cytogenetic location: 15q25.2.
Variant type: single nucleotide variant.
Coding change: c.1669A>G on transcript NM_001717.4 (MANE Select); coding-DNA position 1669, A replaced by G.
Protein change: p.Lys557Glu; replaces lysine 557 with glutamic acid.
Molecular consequence: missense variant.
Genome position (GRCh38, 1-based): chr15:83,263,582, T>C on the plus strand (A>G on the coding strand, the complement: BNC1 is on the minus strand). VCF-style: chr15-83263582-T-C. GRCh37 (hg19) VCF-style: chr15-83932334-T-C.
Other names: c.1648A>G, p.Lys550Glu (NM_001301206.2); short protein forms K550E, K557E.
Identifiers: ClinVar variation 3389067 (VCV003389067.14).